The following is an entry in ClinVar:

ClinVar aggregate classification (germline): Pathogenic (1 of 4 stars; one submission).

Submissions (2):

GeneDx
Classification: Pathogenic. Last evaluated: 2015-08-07. Review status: criteria provided, single submitter. Criteria: GeneDx Variant Classification (06012015). Collection method: clinical testing. Allele origin: germline. Affected: yes.
Comment: The p.Gly7Ter nonsense variant in the WAS gene is predicted to cause loss of normal protein function either through protein truncation or nonsense-mediated mRNA decay. Although this variant has not been reported previously to our knowledge, we interpret it as pathogenic.

Dr. Peter K. Rogan Lab, Western University
No classification provided (evidence only). Condition: Thyroid cancer, nonmedullary, 1. Review status: no classification provided. Collection method: in vitro. Allele origin: not applicable. Functional consequence: retained intron. Not counted in ClinVar's aggregate classification.

NM_000377.3(WAS):c.19G>T (p.Gly7Ter)

Gene: WAS (WASP actin nucleation promoting factor; plus strand). Cytogenetic location: Xp11.23.
Variant type: single nucleotide variant.
Coding change: c.19G>T on transcript NM_000377.3 (MANE Select); coding-DNA position 19, G replaced by T.
Protein change: p.Gly7Ter; replaces glycine 7 with a stop codon.
Molecular consequence: nonsense.
Genome position (GRCh38, 1-based): chrX:48,683,872, G>T. VCF-style: chrX-48683872-G-T. GRCh37 (hg19) VCF-style: chrX-48542261-G-T.
Other names: NC_000023.10:g.48542261G>T; short protein forms G7*.
Identifiers: ClinVar variation 419588 (VCV000419588.3), dbSNP rs1064793974, ClinGen allele CA16621415.